The following is an entry in ClinVar:

ClinVar aggregate classification (germline): Uncertain significance. Review status: criteria provided, multiple submitters, no conflicts (2 of 4 stars). 2 submissions from 2 submitters: Uncertain significance (2). Last evaluated 2026-08-11.

Conditions:
Autosomal recessive limb-girdle muscular dystrophy type 2A (LGMDR1). Also called: Calpainopathy; LEYDEN-MOEBIUS MUSCULAR DYSTROPHY; MUSCULAR DYSTROPHY, PELVOFEMORAL; Limb-girdle muscular dystrophy, type 2A; Muscular dystrophy, limb-girdle, type 2A, Amish. Identifiers: Orphanet 267, MedGen C1869123, MONDO:0009675, OMIM 253600. Disease mechanism: loss of function.

Submissions (2):

Myriad Genetics, Inc.
Classification: Uncertain significance for Autosomal recessive limb-girdle muscular dystrophy type 2A. Last evaluated: 2026-08-11. Review status: criteria provided, single submitter. Criteria: Myriad Autosomal Dominant, Autosomal Recessive and X-Linked Classification Criteria (2023). Collection method: clinical testing. Allele origin: unknown.
Comment: NM_000070.2(CAPN3):c.2115+5C>G is an intronic variant classified as a variant of uncertain significance in the context of calpainopathy. c.2115+5C>G has been observed in a case with relevant disease (PMID: 35169782). Relevant functional assessments of this variant are not available in the literature. c.2115+5C>G has not been observed in referenced population frequency databases. In summary, there is insufficient evidence to classify NM_000070.2(CAPN3):c.2115+5C>G as pathogenic or benign. Please note: this variant was assessed in the context of healthy population screening.

Labcorp Genetics (formerly Invitae), Labcorp
Classification: Uncertain significance for Autosomal recessive limb-girdle muscular dystrophy type 2A. Last evaluated: 2022-02-28. Review status: criteria provided, single submitter. Criteria: Invitae Variant Classification Sherloc (09022015). Collection method: clinical testing. Allele origin: germline.
Comment: In summary, the available evidence is currently insufficient to determine the role of this variant in disease. Therefore, it has been classified as a Variant of Uncertain Significance. Variants that disrupt the consensus splice site are a relatively common cause of aberrant splicing (PMID: 17576681, 9536098). Algorithms developed to predict the effect of sequence changes on RNA splicing suggest that this variant is not likely to affect RNA splicing. This variant has not been reported in the literature in individuals affected with CAPN3-related conditions. This variant is not present in population databases (gnomAD no frequency). This sequence change falls in intron 19 of the CAPN3 gene. It does not directly change the encoded amino acid sequence of the CAPN3 protein. It affects a nucleotide within the consensus splice site.

Literature cited by the submitters: PubMed 35169782 (cited by Myriad Genetics, Inc.); PubMed 17576681 (cited by Labcorp Genetics (formerly Invitae), Labcorp); PubMed 9536098 (cited by Labcorp Genetics (formerly Invitae), Labcorp).

NM_000070.3(CAPN3):c.2115+5C>G

Gene: CAPN3 (calpain 3; plus strand). Cytogenetic location: 15q15.1.
Variant type: single nucleotide variant.
Coding change: c.2115+5C>G on transcript NM_000070.3 (MANE Select); 5 bases into the intron after coding-DNA position 2115, C replaced by G.
Molecular consequence: intron variant.
Genome position (GRCh38, 1-based): chr15:42,410,000, C>G. VCF-style: chr15-42410000-C-G. GRCh37 (hg19) VCF-style: chr15-42702198-C-G.
Other names: c.2097+5C>G (NM_024344.2); c.1839+5C>G (NM_173087.2); c.579+5C>G (NM_173088.2); c.120+5C>G (NM_173090.2, NM_173089.2).
Identifiers: ClinVar variation 2104730 (VCV002104730.5), dbSNP rs2548291798, ClinGen allele CA2580089418.